The following is an entry in ClinVar:

ClinVar aggregate classification (germline): Uncertain significance. Review status: criteria provided, multiple submitters, no conflicts (2 of 4 stars). 2 submissions from 2 submitters: Uncertain significance (2). Last evaluated 2024-03-23.

Allele frequency attached by ClinVar (database versions not stated): gnomAD 0.00001; gnomAD exomes 0.00001; ExAC 0.00002; TOPMed 0.00002; 1000 Genomes Project 30x 0.00016; 1000 Genomes Project 0.00020.
gnomAD v4.1: 8 of 1,613,962 alleles (0.0005%); highest among the groups gnomAD compares: African/African-American, 0.011%; no homozygotes.

Submissions (2):

Ambry Genetics
Classification: Uncertain significance. Last evaluated: 2024-03-23. Review status: criteria provided, single submitter. Criteria: Ambry Variant Classification Scheme 2023. Collection method: clinical testing. Allele origin: germline.
Comment: The p.L712V variant (also known as c.2134C>G), located in coding exon 14 of the RINT1 gene, results from a C to G substitution at nucleotide position 2134. The leucine at codon 712 is replaced by valine, an amino acid with highly similar properties. This amino acid position is conserved. In addition, this alteration is predicted to be deleterious by in silico analysis. Since supporting evidence is limited at this time, the clinical significance of this alteration remains unclear.

Labcorp Genetics (formerly Invitae), Labcorp
Classification: Uncertain significance. Last evaluated: 2023-08-30. Review status: criteria provided, single submitter. Criteria: Invitae Variant Classification Sherloc (09022015). Collection method: clinical testing. Allele origin: germline.
Comment: In summary, the available evidence is currently insufficient to determine the role of this variant in disease. Therefore, it has been classified as a Variant of Uncertain Significance. An algorithm developed to predict the effect of missense changes on protein structure and function (PolyPhen-2) suggests that this variant is likely to be disruptive. ClinVar contains an entry for this variant (Variation ID: 1043750). This variant has not been reported in the literature in individuals affected with RINT1-related conditions. This variant is present in population databases (rs139766063, gnomAD 0.01%). This sequence change replaces leucine, which is neutral and non-polar, with valine, which is neutral and non-polar, at codon 712 of the RINT1 protein (p.Leu712Val).

NM_021930.6(RINT1):c.2134C>G (p.Leu712Val)

Genes: EFCAB10 (EF-hand calcium binding domain 10; minus strand), RINT1 (RAD50 interactor 1; plus strand). Cytogenetic location: 7q22.3.
Variant type: single nucleotide variant.
Coding change: c.2134C>G on transcript NM_021930.6 (MANE Select); coding-DNA position 2134, C replaced by G.
Protein change: p.Leu712Val; replaces leucine 712 with valine.
Molecular consequence: missense variant. On other transcripts: non-coding transcript variant (1), intron variant (2).
Genome position (GRCh38, 1-based): chr7:105,565,596, C>G. VCF-style: chr7-105565596-C-G. GRCh37 (hg19) VCF-style: chr7-105206043-C-G.
Other names: c.403G>C, p.Asp135His (NM_001355530.2); c.1900C>G, p.Leu634Val (NM_001346599.2); c.1111C>G, p.Leu371Val (NM_001346600.2, NM_001346603.2); c.1210C>G, p.Leu404Val (NM_001346601.2); c.360-149G>C (NM_001355531.2); c.384-149G>C (NM_001355526.2); short protein forms L371V, D135H, L712V, L404V, L634V.
Identifiers: ClinVar variation 1043750 (VCV001043750.12), dbSNP rs139766063, ClinGen allele CA4426877.